The following is an entry in ClinVar:

NM_001040108.2(MLH3):c.3955G>A (p.Gly1319Arg)

Gene: MLH3 (mutL homolog 3; minus strand). Cytogenetic location: 14q24.3.
Variant type: single nucleotide variant.
Coding change: c.3955G>A on transcript NM_001040108.2 (MANE Select); coding-DNA position 3955, G replaced by A.
Protein change: p.Gly1319Arg; replaces glycine 1319 with arginine.
Molecular consequence: missense variant.
Genome position (GRCh38, 1-based): chr14:75,030,575, C>T on the plus strand (G>A on the coding strand, the complement: MLH3 is on the minus strand). VCF-style: chr14-75030575-C-T. GRCh37 (hg19) VCF-style: chr14-75497278-C-T.
Other names: c.3883G>A, p.Gly1295Arg (NM_014381.3); short protein forms G1295R, G1319R.
Identifiers: ClinVar variation 5024560 (VCV005024560.1).

ClinVar aggregate classification (germline): Uncertain significance (1 of 4 stars; one submission).

Submission:

Ambry Genetics
Classification: Uncertain significance. Last evaluated: 2026-08-16. Review status: criteria provided, single submitter. Criteria: Ambry Variant Classification Scheme 2023. Collection method: clinical testing. Allele origin: germline.
Comment: The p.G1319R variant (also known as c.3955G>A), located in coding exon 8 of the MLH3 gene, results from a G to A substitution at nucleotide position 3955. The glycine at codon 1319 is replaced by arginine, an amino acid with dissimilar properties. This amino acid position is well conserved in available vertebrate species. In addition, the in silico prediction for this alteration is inconclusive. Based on the available evidence, the clinical significance of this variant remains unclear.